The following is an entry in ClinVar:

NM_000384.3(APOB):c.3967T>G (p.Phe1323Val)

Gene: APOB (apolipoprotein B; minus strand). Cytogenetic location: 2p24.1.
Variant type: single nucleotide variant.
Coding change: c.3967T>G on transcript NM_000384.3 (MANE Select); coding-DNA position 3967, T replaced by G.
Protein change: p.Phe1323Val; replaces phenylalanine 1323 with valine.
Molecular consequence: missense variant.
Genome position (GRCh38, 1-based): chr2:21,013,409, A>C on the plus strand (T>G on the coding strand, the complement: APOB is on the minus strand). VCF-style: chr2-21013409-A-C. GRCh37 (hg19) VCF-style: chr2-21236281-A-C.
Other names: short protein forms F1323V.
Identifiers: ClinVar variation 2921495 (VCV002921495.3), dbSNP rs1189790684, ClinGen allele CA346007890.

ClinVar aggregate classification (germline): Uncertain significance (1 of 4 stars; one submission).

Conditions:
Hypercholesterolemia, autosomal dominant, type B (FHCL2). Also called: APOB-Related Familial Hypercholesterolemia, Autosomal Dominant; Familial Hypercholesterolemia Type B; APOLIPOPROTEIN B-100, FAMILIAL DEFECTIVE; APOLIPOPROTEIN B-100, FAMILIAL LIGAND-DEFECTIVE; HYPERCHOLESTEROLEMIA, FAMILIAL, DUE TO LIGAND-DEFECTIVE APOLIPOPROTEIN B; Hyperlipoproteinemia Type IIb. Identifiers: MedGen C1704417, MONDO:0007751, OMIM 144010.
Familial hypobetalipoproteinemia 1. Also called: Hypobetalipoproteinemia, normotriglyceridemic; Acanthocytosis with hypobetalipoproteinemia; APOB-Related Familial Hypobetalipoproteinemia. Identifiers: MedGen C4551990, MONDO:0014252, OMIM 615558.

Allele frequency attached by ClinVar (database versions not stated): TOPMed below 0.00001; gnomAD 0.00001.
gnomAD v4.1: 1 of 1,614,130 alleles (0.000062%); highest among the groups gnomAD compares: Non-Finnish European, 0.000085%; no homozygotes.

Submission:

Labcorp Genetics (formerly Invitae), Labcorp
Classification: Uncertain significance for Familial hypobetalipoproteinemia 1; Hypercholesterolemia, autosomal dominant, type B. Last evaluated: 2023-12-17. Review status: criteria provided, single submitter. Criteria: Invitae Variant Classification Sherloc (09022015). Collection method: clinical testing. Allele origin: germline.
Comment: This sequence change replaces phenylalanine, which is neutral and non-polar, with valine, which is neutral and non-polar, at codon 1323 of the APOB protein (p.Phe1323Val). This variant is not present in population databases (gnomAD no frequency). This variant has not been reported in the literature in individuals affected with APOB-related conditions. Advanced modeling of protein sequence and biophysical properties (such as structural, functional, and spatial information, amino acid conservation, physicochemical variation, residue mobility, and thermodynamic stability) performed at Invitae indicates that this missense variant is not expected to disrupt APOB protein function with a negative predictive value of 95%. In summary, the available evidence is currently insufficient to determine the role of this variant in disease. Therefore, it has been classified as a Variant of Uncertain Significance.